The following is an entry in ClinVar:

NM_182493.3(MYLK3):c.838G>A (p.Val280Ile)

Gene: MYLK3 (myosin light chain kinase 3; minus strand). Cytogenetic location: 16q11.2.
Variant type: single nucleotide variant.
Coding change: c.838G>A on transcript NM_182493.3 (MANE Select); coding-DNA position 838, G replaced by A.
Protein change: p.Val280Ile; replaces valine 280 with isoleucine.
Molecular consequence: missense variant. On other transcripts: intron variant (1).
Genome position (GRCh38, 1-based): chr16:46,737,874, C>T on the plus strand (G>A on the coding strand, the complement: MYLK3 is on the minus strand). VCF-style: chr16-46737874-C-T. GRCh37 (hg19) VCF-style: chr16-46771786-C-T.
Other names: c.-23+2183G>A (NM_001308301.1); c.838G>A (NM_182493.2); short protein forms V280I.
Identifiers: ClinVar variation 3696784 (VCV003696784.3).

ClinVar aggregate classification (germline): Uncertain significance. Review status: criteria provided, multiple submitters, no conflicts (2 of 4 stars). 2 submissions from 2 submitters: Uncertain significance (2). Last evaluated 2025-12-09.

gnomAD v4.1: 27 of 1,614,036 alleles (0.0017%); highest among the groups gnomAD compares: African/African-American, 0.004%; no homozygotes.

Submissions (2):

Labcorp Genetics (formerly Invitae), Labcorp
Classification: Uncertain significance. Last evaluated: 2025-12-09. Review status: criteria provided, single submitter. Criteria: Invitae Variant Classification Sherloc (09022015). Collection method: clinical testing. Allele origin: germline.
Comment: This sequence change replaces valine, which is neutral and non-polar, with isoleucine, which is neutral and non-polar, at codon 280 of the MYLK3 protein (p.Val280Ile). This variant is not present in population databases (gnomAD no frequency). This variant has not been reported in the literature in individuals affected with MYLK3-related conditions. ClinVar contains an entry for this variant (Variation ID: 3696784). An algorithm developed to predict the effect of missense changes on protein structure and function (PolyPhen-2) suggests that this variant is likely to be tolerated. In summary, the available evidence is currently insufficient to determine the role of this variant in disease. Therefore, it has been classified as a Variant of Uncertain Significance.

Ambry Genetics
Classification: Uncertain significance. Last evaluated: 2025-02-07. Review status: criteria provided, single submitter. Criteria: Ambry Variant Classification Scheme 2023. Collection method: clinical testing. Allele origin: germline.